The following is an entry in ClinVar:

NM_001035.3(RYR2):c.13404C>G (p.His4468Gln)

Gene: RYR2 (ryanodine receptor 2; plus strand). Cytogenetic location: 1q43.
Variant type: single nucleotide variant.
Coding change: c.13404C>G on transcript NM_001035.3 (MANE Select); coding-DNA position 13404, C replaced by G.
Protein change: p.His4468Gln; replaces histidine 4468 with glutamine.
Molecular consequence: missense variant.
Genome position (GRCh38, 1-based): chr1:237,788,063, C>G. VCF-style: chr1-237788063-C-G. GRCh37 (hg19) VCF-style: chr1-237951363-C-G.
Other names: short protein forms H4468Q.
Identifiers: ClinVar variation 3072563 (VCV003072563.1), dbSNP rs2527856127, ClinGen allele CA345416523.

ClinVar aggregate classification (germline): Uncertain significance (1 of 4 stars; one submission).

Conditions:
Catecholaminergic polymorphic ventricular tachycardia (CVPT). Also called: Catecholamine-induced polymorphic ventricular tachycardia. Identifiers: Orphanet 3286, MedGen C5574922, MONDO:0017990.

Allele frequency attached by ClinVar (database versions not stated): gnomAD exomes below 0.00001.
gnomAD v4.1: 1 of 1,611,810 alleles (0.000062%); highest among the groups gnomAD compares: Non-Finnish European, 0.000085%; no homozygotes.

Submission:

All of Us Research Program, National Institutes of Health
Classification: Uncertain significance for Catecholaminergic polymorphic ventricular tachycardia. Last evaluated: 2023-08-08. Review status: criteria provided, single submitter. Criteria: ACMG Guidelines, 2015. Collection method: clinical testing. Allele origin: germline. Inheritance: Autosomal dominant inheritance. Observed: 1 variant allele, 1 heterozygote.
Comment: This missense variant replaces histidine with glutamine at codon 4468 of the RYR2 protein. Computational prediction is inconclusive regarding the impact of this variant on protein structure and function (internally defined REVEL score threshold 0.5 < inconclusive < 0.7, PMID: 27666373). To our knowledge, functional studies have not been reported for this variant. This variant has not been reported in individuals affected with RYR2-related disorders in the literature. This variant has not been identified in the general population by the Genome Aggregation Database (gnomAD). The available evidence is insufficient to determine the role of this variant in disease conclusively. Therefore, this variant is classified as a Variant of Uncertain Significance.

This study involves interpretation of variants in research participants for the purpose of population health screening. Participant phenotype was not available at the time of variant classification. Additional details can be found in publication PMID: 35346344, PMCID: PMC8962531